The following is an entry in ClinVar:

ClinVar aggregate classification (germline): Uncertain significance (1 of 4 stars; one submission).

Submission:

GeneDx
Classification: Uncertain significance. Last evaluated: 2025-06-20. Review status: criteria provided, single submitter. Criteria: GeneDx Variant Classification Process June 2021. Collection method: clinical testing. Allele origin: germline. Affected: yes.
Comment: Not observed at significant frequency in large population cohorts (gnomAD); Has not been previously published as pathogenic or benign to our knowledge; Reported using an alternate transcript of the gene; Nonsense variant predicted to result in protein truncation or nonsense mediated decay in a gene or region of a gene for which loss-of-function is not an established mechanism of disease

NM_020988.3(GNAO1):c.723+4027G>A

Gene: GNAO1 (G protein subunit alpha o1; plus strand). Cytogenetic location: 16q13.
Variant type: single nucleotide variant.
Coding change: c.723+4027G>A on transcript NM_020988.3 (MANE Select); 4027 bases into the intron after coding-DNA position 723, G replaced by A.
Molecular consequence: intron variant. On other transcripts: nonsense (1).
Genome position (GRCh38, 1-based): chr16:56,340,887, G>A. VCF-style: chr16-56340887-G-A. GRCh37 (hg19) VCF-style: chr16-56374799-G-A.
Other names: c.777G>A, p.Trp259Ter (NM_138736.3); short protein forms W259*.
Identifiers: ClinVar variation 4538957 (VCV004538957.1).